The following is an entry in ClinVar:

NM_001077350.3(NPRL3):c.1270dup (p.Arg424fs)

Genes: HBA-LCR (alpha-globin locus control region; plus strand), NPRL3 (NPR3 like, GATOR1 complex subunit; minus strand). Cytogenetic location: 16p13.3.
Variant type: Duplication.
Coding change: c.1270dup on transcript NM_001077350.3 (MANE Select); coding-DNA position 1270, one base duplicated (C; older notation c.1270dupC).
Protein change: p.Arg424fs; shifts the reading frame from arginine 424.
Molecular consequence: frameshift variant.
Genome position (GRCh38, 1-based): chr16:89,794, G duplicated on the plus strand (C on the coding strand, the reverse complement: NPRL3 is on the minus strand). VCF-style (leftmost placement, unchanged base first): chr16-89793-C-CG. GRCh37 (hg19) VCF-style: chr16-139791-C-CG.
Other names: c.733dup, p.Arg245fs (NM_001039476.3); c.1036dup, p.Arg346fs (NM_001243247.2); c.1195dup, p.Arg399fs (NM_001243248.2, NM_001243249.2); short protein forms R346fs, R399fs, R245fs, R424fs.
Identifiers: ClinVar variation 566936 (VCV000566936.6), dbSNP rs1567129567, ClinGen allele CA891843966.

ClinVar aggregate classification (germline): Pathogenic (1 of 4 stars; one submission).

Conditions:
Epilepsy, familial focal, with variable foci 3 (FFEVF3). Identifiers: MedGen C4310708, MONDO:0014925, OMIM 617118.

Submission:

Labcorp Genetics (formerly Invitae), Labcorp
Classification: Pathogenic for Epilepsy, familial focal, with variable foci 3. Last evaluated: 2025-06-02. Review status: criteria provided, single submitter. Criteria: Invitae Variant Classification Sherloc (09022015). Collection method: clinical testing. Allele origin: germline.
Comment: This sequence change creates a premature translational stop signal (p.Arg424Profs*32) in the NPRL3 gene. It is expected to result in an absent or disrupted protein product. Loss-of-function variants in NPRL3 are known to be pathogenic (PMID: 26285051, 26505888). This variant is not present in population databases (gnomAD no frequency). This variant has not been reported in the literature in individuals affected with NPRL3-related conditions. ClinVar contains an entry for this variant (Variation ID: 566936). For these reasons, this variant has been classified as Pathogenic.

Literature cited by the submitters: PubMed 26285051; PubMed 26505888.